The following is an entry in ClinVar:

ClinVar aggregate classification (germline): Uncertain significance (1 of 4 stars; one submission).

Conditions:
Deficiency of acetyl-CoA acetyltransferase. Also called: Beta-ketothiolase deficiency; MITOCHONDRIAL ACETOACETYL-CoA THIOLASE DEFICIENCY; 3-KETOTHIOLASE DEFICIENCY; 3-OXOTHIOLASE DEFICIENCY. Identifiers: Orphanet 134, MedGen C1536500, MONDO:0008760, OMIM 203750. Disease mechanism: loss of function.

Submission:

Labcorp Genetics (formerly Invitae), Labcorp
Classification: Uncertain significance for Deficiency of acetyl-CoA acetyltransferase. Last evaluated: 2023-04-22. Review status: criteria provided, single submitter. Criteria: Invitae Variant Classification Sherloc (09022015). Collection method: clinical testing. Allele origin: germline.
Comment: This sequence change falls in intron 5 of the ACAT1 gene. It does not directly change the encoded amino acid sequence of the ACAT1 protein. This variant is not present in population databases (gnomAD no frequency). This variant has not been reported in the literature in individuals affected with ACAT1-related conditions. Algorithms developed to predict the effect of sequence changes on RNA splicing suggest that this variant may disrupt the consensus splice site. In summary, the available evidence is currently insufficient to determine the role of this variant in disease. Therefore, it has been classified as a Variant of Uncertain Significance.

NM_000019.4(ACAT1):c.436-15G>A

Gene: ACAT1 (acetyl-CoA acetyltransferase 1; plus strand). Cytogenetic location: 11q22.3.
Variant type: single nucleotide variant.
Coding change: c.436-15G>A on transcript NM_000019.4 (MANE Select); 15 bases into the intron before coding-DNA position 436, G replaced by A.
Molecular consequence: intron variant.
Genome position (GRCh38, 1-based): chr11:108,138,883, G>A. VCF-style: chr11-108138883-G-A. GRCh37 (hg19) VCF-style: chr11-108009610-G-A.
Other names: c.166-15G>A (NM_001386682.1, NM_001386681.1, NM_001386685.1 and 6 more transcripts); c.436-15G>A (NM_001386677.1); c.139-15G>A (NM_001386679.1); c.121-15G>A (NM_001386678.1).
Identifiers: ClinVar variation 3000417 (VCV003000417.3), dbSNP rs2496612364, ClinGen allele CA2740093192.